The following is an entry in ClinVar:

ClinVar aggregate classification (germline): Benign. Review status: criteria provided, multiple submitters, no conflicts (2 of 4 stars). 5 submissions from 5 submitters: Benign (4). 1 of the submissions does not count toward it. Last evaluated 2026-05-13.

Conditions:
IGF1R-related disorder. Also called: IGF1R-related condition.
Growth delay due to insulin-like growth factor I resistance. Also called: Somatomedin end-organ insensitivity to; Somatomedin-c resistance to; IGF-1 resistance; IGF-I RESISTANCE; Insulin-Like Growth Factor I Resistance. Identifiers: Orphanet 73273, MedGen C1849157, MONDO:0010038, OMIM 270450.

Allele frequency attached by ClinVar (database versions not stated): TOPMed 0.01443; ESP Exome Variant Server 0.01694; 1000 Genomes Project 0.01558; 1000 Genomes Project 30x 0.01562.
gnomAD v4.1: 4,124 of 1,608,332 alleles (0.26%); highest among the groups gnomAD compares: African/African-American, 4.8%; 92 homozygotes.

Submissions (5):

Women's Health and Genetics/Laboratory Corporation of America, LabCorp
Classification: Benign. Last evaluated: 2026-05-13. Review status: criteria provided, single submitter. Criteria: LabCorp Variant Classification Summary - May 2015. Collection method: clinical testing. Allele origin: germline.

Labcorp Genetics (formerly Invitae), Labcorp
Classification: Benign. Last evaluated: 2026-02-03. Review status: criteria provided, single submitter. Criteria: Invitae Variant Classification Sherloc (09022015). Collection method: clinical testing. Allele origin: germline.

Illumina Laboratory Services, Illumina
Classification: Benign for Growth delay due to insulin-like growth factor I resistance. Last evaluated: 2018-01-13. Review status: criteria provided, single submitter. Criteria: ICSL Variant Classification Criteria 13 December 2019. Collection method: clinical testing. Allele origin: germline.
Comment: This variant was observed in the ICSL laboratory as part of a predisposition screen in an ostensibly healthy population. It had not been previously curated by ICSL or reported in the Human Gene Mutation Database (HGMD: prior to June 1st, 2018), and was therefore a candidate for classification through an automated scoring system. Utilizing variant allele frequency, disease prevalence and penetrance estimates, and inheritance mode, an automated score was calculated to assess if this variant is too frequent to cause the disease. Based on the score and internal cut-off values, a variant classified as benign is not then subjected to further curation. The score for this variant resulted in a classification of benign for this disease.

Breakthrough Genomics
Classification: Benign. Review status: criteria provided, single submitter. Criteria: ACMG Guidelines, 2015. Collection method: not provided. Allele origin: germline. Inheritance: Autosomal dominant inheritance. Affected: yes.

PreventionGenetics, part of Exact Sciences
Classification: Benign for IGF1R-related condition. Last evaluated: 2019-06-11. Review status: no assertion criteria provided. Collection method: clinical testing. Allele origin: germline. Not counted in ClinVar's aggregate classification.
Comment: This variant is classified as benign based on ACMG/AMP sequence variant interpretation guidelines (Richards et al. 2015 PMID: 25741868, with internal and published modifications).

NM_000875.5(IGF1R):c.885G>A (p.Gly295=)

Gene: IGF1R (insulin like growth factor 1 receptor; plus strand). Cytogenetic location: 15q26.3.
Variant type: single nucleotide variant.
Coding change: c.885G>A on transcript NM_000875.5 (MANE Select); coding-DNA position 885, G replaced by A.
Protein change: p.Gly295=; no amino-acid change (glycine 295 retained).
Molecular consequence: synonymous variant.
Genome position (GRCh38, 1-based): chr15:98,891,569, G>A. VCF-style: chr15-98891569-G-A. GRCh37 (hg19) VCF-style: chr15-99434798-G-A.
Other names: c.885G>A, p.Gly295= (NM_001291858.2).
Identifiers: ClinVar variation 317442 (VCV000317442.17), dbSNP rs56303650, ClinGen allele CA7751932.